The following is an entry in ClinVar:

NM_012188.5(FOXI1):c.11T>A (p.Phe4Tyr)

Gene: FOXI1 (forkhead box I1; plus strand). Cytogenetic location: 5q35.1.
Variant type: single nucleotide variant.
Coding change: c.11T>A on transcript NM_012188.5 (MANE Select); coding-DNA position 11, T replaced by A.
Protein change: p.Phe4Tyr; replaces phenylalanine 4 with tyrosine.
Molecular consequence: missense variant.
Genome position (GRCh38, 1-based): chr5:170,105,968, T>A. VCF-style: chr5-170105968-T-A. GRCh37 (hg19) VCF-style: chr5-169532972-T-A.
Other names: c.11T>A, p.Phe4Tyr (NM_144769.4); short protein forms F4Y.
Identifiers: ClinVar variation 2100023 (VCV002100023.4), dbSNP rs2532546282, ClinGen allele CA362123538.
Genomic context (GRCh38, chr5:170,105,968, plus strand): 5'-CTCCGGGGTGCAGGTGCCAGGCAGGTGGCTCCGGCCAGCCCAGCCCCAGCATGAGCTCCT[T>A]CGACCTGCCGGCGCCCTCCCCACCTCGCTGCAGCCCCCAGTTCCCCAGCATCGGCCAGGA-3'
Protein context (NP_036320.2, residues 1-14): MSS[Phe4Tyr]DLPAPSPPRC

ClinVar aggregate classification (germline): Uncertain significance (1 of 4 stars; one submission).

Submission:

Labcorp Genetics (formerly Invitae), Labcorp
Classification: Uncertain significance. Last evaluated: 2022-02-24. Review status: criteria provided, single submitter. Criteria: Invitae Variant Classification Sherloc (09022015). Collection method: clinical testing. Allele origin: germline.
Comment: In summary, the available evidence is currently insufficient to determine the role of this variant in disease. Therefore, it has been classified as a Variant of Uncertain Significance. Algorithms developed to predict the effect of missense changes on protein structure and function output the following: SIFT: "Deleterious"; PolyPhen-2: "Benign"; Align-GVGD: "Class C0". The tyrosine amino acid residue is found in multiple mammalian species, which suggests that this missense change does not adversely affect protein function. This variant has not been reported in the literature in individuals affected with FOXI1-related conditions. This variant is not present in population databases (gnomAD no frequency). This sequence change replaces phenylalanine, which is neutral and non-polar, with tyrosine, which is neutral and polar, at codon 4 of the FOXI1 protein (p.Phe4Tyr).